The following is an entry in ClinVar:

ClinVar aggregate classification (germline): Uncertain significance. Review status: criteria provided, multiple submitters, no conflicts (2 of 4 stars). 2 submissions from 2 submitters: Uncertain significance (2). Last evaluated 2025-06-22.

Conditions:
Inborn genetic diseases. Identifiers: MedGen C0950123, MeSH D030342.

Allele frequency attached by ClinVar (database versions not stated): gnomAD exomes below 0.00001 and 0.00001; TOPMed below 0.00001; gnomAD 0.00001; ExAC 0.00002.
gnomAD v4.1: 5 of 1,614,054 alleles (0.00031%); highest among the groups gnomAD compares: East Asian, 0.011%; no homozygotes.

Submissions (2):

Ambry Genetics
Classification: Uncertain significance for Inborn genetic diseases. Last evaluated: 2025-06-22. Review status: criteria provided, single submitter. Criteria: Ambry Variant Classification Scheme 2023. Collection method: clinical testing. Allele origin: germline.

Labcorp Genetics (formerly Invitae), Labcorp
Classification: Uncertain significance. Last evaluated: 2021-08-09. Review status: criteria provided, single submitter. Criteria: Invitae Variant Classification Sherloc (09022015). Collection method: clinical testing. Allele origin: germline.
Comment: In summary, the available evidence is currently insufficient to determine the role of this variant in disease. Therefore, it has been classified as a Variant of Uncertain Significance. Algorithms developed to predict the effect of missense changes on protein structure and function are either unavailable or do not agree on the potential impact of this missense change (SIFT: "Not Available"; PolyPhen-2: "Benign"; Align-GVGD: "Not Available"). This variant has not been reported in the literature in individuals affected with VPS13D-related conditions. This variant is present in population databases (rs781437829, ExAC 0.02%). This sequence change replaces lysine with arginine at codon 3916 of the VPS13D protein (p.Lys3916Arg). The lysine residue is moderately conserved and there is a small physicochemical difference between lysine and arginine.

NM_015378.4(VPS13D):c.11747A>G (p.Lys3916Arg)

Gene: VPS13D (vacuolar protein sorting 13 homolog D; plus strand). Cytogenetic location: 1p36.22.
Variant type: single nucleotide variant.
Coding change: c.11747A>G on transcript NM_015378.4 (MANE Select); coding-DNA position 11747, A replaced by G.
Protein change: p.Lys3916Arg; replaces lysine 3916 with arginine.
Molecular consequence: missense variant.
Genome position (GRCh38, 1-based): chr1:12,400,293, A>G. VCF-style: chr1-12400293-A-G. GRCh37 (hg19) VCF-style: chr1-12460350-A-G.
Other names: c.11672A>G, p.Lys3891Arg (NM_018156.4); c.11747A>G (NM_015378.2); short protein forms K3891R, K3916R.
Identifiers: ClinVar variation 1399828 (VCV001399828.7), dbSNP rs781437829, ClinGen allele CA604023.
Genomic context (GRCh38, chr1:12,400,293, plus strand): 5'-CCCTGAGCAATGAGAATGAGGTCATCGAGACCGGCCCAGCTGTGCAAGTCAACGCAGTGA[A>G]GTTCCCCAGTAAGAGTGCACTGACCAACATCTACAAGGTGGGCTGGTGGAGGAGGCTGGT-3'
Protein context (NP_056193.2, residues 3906-3926): TGPAVQVNAV[Lys3916Arg]FPSKSALTNI